The following is an entry in ClinVar:

ClinVar aggregate classification (germline): Likely benign. Review status: criteria provided, single submitter (1 of 4 stars). 2 submissions from 2 submitters: Likely benign (1). 1 of the submissions does not count toward it. Last evaluated 2023-07-25.

Conditions:
DNAH5-related disorder. Also called: DNAH5-related condition.
Primary ciliary dyskinesia. Also called: Ciliary dyskinesia. Identifiers: Orphanet 244, MedGen C0008780, MONDO:0016575, HP:0012265.

gnomAD v4.1: 12 of 1,549,532 alleles (0.00077%); highest among the groups gnomAD compares: Middle Eastern, 0.05%; no homozygotes.

Submissions (2):

Labcorp Genetics (formerly Invitae), Labcorp
Classification: Likely benign for Primary ciliary dyskinesia. Last evaluated: 2023-07-25. Review status: criteria provided, single submitter. Criteria: Invitae Variant Classification Sherloc (09022015). Collection method: clinical testing. Allele origin: germline.

PreventionGenetics, part of Exact Sciences
Classification: Likely benign for DNAH5-related condition. Last evaluated: 2022-10-27. Review status: no assertion criteria provided. Collection method: clinical testing. Allele origin: germline. Not counted in ClinVar's aggregate classification.
Comment: This variant is classified as likely benign based on ACMG/AMP sequence variant interpretation guidelines (Richards et al. 2015 PMID: 25741868, with internal and published modifications).

NM_001369.3(DNAH5):c.7476G>A (p.Ala2492=)

Gene: DNAH5 (dynein axonemal heavy chain 5; minus strand). Cytogenetic location: 5p15.2.
Variant type: single nucleotide variant.
Coding change: c.7476G>A on transcript NM_001369.3 (MANE Select); coding-DNA position 7476, G replaced by A.
Protein change: p.Ala2492=; no amino-acid change (alanine 2492 retained).
Molecular consequence: synonymous variant.
Genome position (GRCh38, 1-based): chr5:13,810,192, C>T on the plus strand (G>A on the coding strand, the complement: DNAH5 is on the minus strand). VCF-style: chr5-13810192-C-T. GRCh37 (hg19) VCF-style: chr5-13810301-C-T.
Other names: c.7476G>A (NM_001369.2).
Identifiers: ClinVar variation 2732896 (VCV002732896.5), dbSNP rs778257130, ClinGen allele CA113979225.